The following is an entry in ClinVar:

NM_000321.3(RB1):c.1215C>T (p.Asn405=)

Gene: RB1 (RB transcriptional corepressor 1; plus strand). Cytogenetic location: 13q14.2.
Variant type: single nucleotide variant.
Coding change: c.1215C>T on transcript NM_000321.3 (MANE Select); coding-DNA position 1215, C replaced by T.
Protein change: p.Asn405=; no amino-acid change (asparagine 405 retained).
Molecular consequence: synonymous variant.
Genome position (GRCh38, 1-based): chr13:48,373,492, C>T. VCF-style: chr13-48373492-C-T. GRCh37 (hg19) VCF-style: chr13-48947628-C-T.
Identifiers: ClinVar variation 527897 (VCV000527897.20), dbSNP rs758187955, ClinGen allele CA027862.

ClinVar aggregate classification (germline): Benign/Likely benign. Review status: criteria provided, multiple submitters, no conflicts (2 of 4 stars). 4 submissions from 4 submitters: Benign (1); Likely benign (3). Last evaluated 2026-02-01.

Conditions:
Hereditary cancer-predisposing syndrome. Also called: Neoplastic Syndromes, Hereditary; Hereditary Cancer Syndrome; Tumor predisposition; Hereditary neoplastic syndrome. Identifiers: Orphanet 140162, MedGen C0027672, MeSH D009386, MONDO:0015356.
Retinoblastoma (RB1). Also called: RETINOBLASTOMA, SOMATIC. Identifiers: Orphanet 790, MedGen C0035335, MeSH D012175, MONDO:0008380, OMIM 180200, HP:0009919. Disease mechanism: loss of function. Inheritance: Both sporadic and heritable forms are tested..

Allele frequency attached by ClinVar (database versions not stated): TOPMed 0.00001; gnomAD exomes 0.00002 and 0.00006; gnomAD 0.00003; ExAC 0.00005.
gnomAD v4.1: 38 of 1,540,170 alleles (0.0025%); highest among the groups gnomAD compares: Admixed American, 0.018%; no homozygotes.

Submissions (4):

CeGaT Center for Human Genetics Tuebingen
Classification: Likely benign. Last evaluated: 2026-02-01. Review status: criteria provided, single submitter. Criteria: CeGaT Center For Human Genetics Tuebingen Variant Classification Criteria Version 2. Collection method: clinical testing. Allele origin: germline. Affected: yes. Observed: 1 variant allele.
Comment: RB1: BP4, BP7

Labcorp Genetics (formerly Invitae), Labcorp
Classification: Likely benign for Retinoblastoma. Last evaluated: 2025-11-24. Review status: criteria provided, single submitter. Criteria: Invitae Variant Classification Sherloc (09022015). Collection method: clinical testing. Allele origin: germline.

Color Diagnostics, LLC DBA Color Health
Classification: Benign for Retinoblastoma. Last evaluated: 2022-04-28. Review status: criteria provided, single submitter. Criteria: ACMG Guidelines, 2015. Collection method: clinical testing. Allele origin: germline.

Ambry Genetics
Classification: Likely benign for Hereditary cancer-predisposing syndrome. Last evaluated: 2018-01-08. Review status: criteria provided, single submitter. Criteria: Ambry Variant Classification Scheme 2023. Collection method: clinical testing. Allele origin: germline.

Literature cited by the submitters: PubMed 28401291 (cited by Ambry Genetics).